The following is an entry in ClinVar:

ClinVar aggregate classification (germline): Uncertain significance (1 of 4 stars; one submission).

Conditions:
Hereditary cancer-predisposing syndrome. Also called: Hereditary Cancer Syndrome; Hereditary neoplastic syndrome; Neoplastic Syndromes, Hereditary; Tumor predisposition. Identifiers: Orphanet 140162, MedGen C0027672, MeSH D009386, MONDO:0015356.

Submission:

Ambry Genetics
Classification: Uncertain significance for Hereditary cancer-predisposing syndrome. Last evaluated: 2025-04-16. Review status: criteria provided, single submitter. Criteria: Ambry Variant Classification Scheme 2023. Collection method: clinical testing. Allele origin: germline.
Comment: The p.S13C variant (also known as c.38C>G), located in coding exon 1 of the NF2 gene, results from a C to G substitution at nucleotide position 38. The serine at codon 13 is replaced by cysteine, an amino acid with dissimilar properties. This amino acid position is conserved. In addition, the in silico prediction for this alteration is inconclusive. Based on the available evidence, the clinical significance of this variant remains unclear.

NM_000268.4(NF2):c.38C>G (p.Ser13Cys)

Gene: NF2 (NF2, moesin-ezrin-radixin like (MERLIN) tumor suppressor; plus strand). Cytogenetic location: 22q12.2.
Variant type: single nucleotide variant.
Coding change: c.38C>G on transcript NM_000268.4 (MANE Select); coding-DNA position 38, C replaced by G.
Protein change: p.Ser13Cys; replaces serine 13 with cysteine.
Molecular consequence: missense variant. On other transcripts: 5 prime UTR variant (4), non-coding transcript variant (1).
Genome position (GRCh38, 1-based): chr22:29,604,036, C>G. VCF-style: chr22-29604036-C-G. GRCh37 (hg19) VCF-style: chr22-30000025-C-G.
Other names: c.-193C>G (NM_001407053.1, NM_001407056.1); c.38C>G, p.Ser13Cys (NM_001407054.1, NM_001407055.1, NM_001407057.1 and 15 more transcripts); c.-603C>G (NM_001407065.1); c.-219C>G (NM_001407067.1); short protein forms S13C.
Identifiers: ClinVar variation 3919139 (VCV003919139.1).